The following is an entry in ClinVar:

ClinVar aggregate classification (germline): Uncertain significance (1 of 4 stars; one submission).

Submission:

Labcorp Genetics (formerly Invitae), Labcorp
Classification: Uncertain significance. Last evaluated: 2022-08-08. Review status: criteria provided, single submitter. Criteria: Invitae Variant Classification Sherloc (09022015). Collection method: clinical testing. Allele origin: germline.
Comment: In summary, the available evidence is currently insufficient to determine the role of this variant in disease. Therefore, it has been classified as a Variant of Uncertain Significance. Experimental studies and prediction algorithms are not available or were not evaluated, and the functional significance of this variant is currently unknown. This variant has not been reported in the literature in individuals affected with PLD3-related conditions. This variant results in a copy number gain of the genomic region encompassing exon(s) 11-13 of the PLD3 gene. This region includes the termination codon of the gene. This copy number gain extends beyond the assayed region for this gene and therefore may encompass additional genes. As the precise location of this event is unknown, it may be in tandem or it may be located elsewhere in the genome.

NC_000019.9:g.(?_40882496)_(41135455_?)dup

Genes: BLVRB (biliverdin reductase B; minus strand), HIPK4 (homeodomain interacting protein kinase 4; minus strand), LTBP4 (latent transforming growth factor beta binding protein 4; plus strand), PLD3 (phospholipase D family member 3; plus strand), PRX (periaxin; minus strand) and 4 more. Cytogenetic location: 19q13.2.
Variant type: Duplication.
Identifiers: ClinVar variation 2425787 (VCV002425787.4).